The following is an entry in ClinVar:

ClinVar aggregate classification (germline): Uncertain significance (1 of 4 stars; one submission).

Allele frequency attached by ClinVar (database versions not stated): 1000 Genomes Project 30x 0.00016; gnomAD exomes 0.00001; 1000 Genomes Project 0.00020.
gnomAD v4.1: 10 of 1,613,956 alleles (0.00062%); highest among the groups gnomAD compares: Non-Finnish European, 0.00076%; no homozygotes.

Submission:

Labcorp Genetics (formerly Invitae), Labcorp
Classification: Uncertain significance. Last evaluated: 2022-07-30. Review status: criteria provided, single submitter. Criteria: Invitae Variant Classification Sherloc (09022015). Collection method: clinical testing. Allele origin: germline.
Comment: Algorithms developed to predict the effect of missense changes on protein structure and function (SIFT, PolyPhen-2, Align-GVGD) all suggest that this variant is likely to be tolerated. In summary, the available evidence is currently insufficient to determine the role of this variant in disease. Therefore, it has been classified as a Variant of Uncertain Significance. This variant has not been reported in the literature in individuals affected with XYLT2-related conditions. This variant is present in population databases (rs200597907, gnomAD no frequency). This sequence change replaces proline, which is neutral and non-polar, with leucine, which is neutral and non-polar, at codon 790 of the XYLT2 protein (p.Pro790Leu).

NM_022167.4(XYLT2):c.2369C>T (p.Pro790Leu)

Gene: XYLT2 (xylosyltransferase 2; plus strand). Cytogenetic location: 17q21.33.
Variant type: single nucleotide variant.
Coding change: c.2369C>T on transcript NM_022167.4 (MANE Select); coding-DNA position 2369, C replaced by T.
Protein change: p.Pro790Leu; replaces proline 790 with leucine.
Molecular consequence: missense variant.
Genome position (GRCh38, 1-based): chr17:50,360,062, C>T. VCF-style: chr17-50360062-C-T. GRCh37 (hg19) VCF-style: chr17-48437423-C-T.
Other names: short protein forms P790L.
Identifiers: ClinVar variation 1972191 (VCV001972191.5), dbSNP rs200597907, ClinGen allele CA291580818.